The following is an entry in ClinVar:

ClinVar aggregate classification (germline): Uncertain significance. Review status: criteria provided, multiple submitters, no conflicts (2 of 4 stars). 2 submissions from 2 submitters: Uncertain significance (2). Last evaluated 2025-06-15.

Conditions:
Inborn genetic diseases. Identifiers: MedGen C0950123, MeSH D030342.

Allele frequency attached by ClinVar (database versions not stated): ExAC 0.00002; gnomAD 0.00003; gnomAD exomes 0.00002; TOPMed below 0.00001.
gnomAD v4.1: 29 of 1,613,718 alleles (0.0018%); highest among the groups gnomAD compares: Admixed American, 0.0033%; no homozygotes.

Submissions (2):

Labcorp Genetics (formerly Invitae), Labcorp
Classification: Uncertain significance. Last evaluated: 2025-06-15. Review status: criteria provided, single submitter. Criteria: Invitae Variant Classification Sherloc (09022015). Collection method: clinical testing. Allele origin: germline.
Comment: This sequence change replaces arginine, which is basic and polar, with tryptophan, which is neutral and slightly polar, at codon 977 of the ANKRD26 protein (p.Arg977Trp). This variant is present in population databases (rs766543259, gnomAD 0.006%). This variant has not been reported in the literature in individuals affected with ANKRD26-related conditions. ClinVar contains an entry for this variant (Variation ID: 2884767). An algorithm developed to predict the effect of missense changes on protein structure and function (PolyPhen-2) suggests that this variant is likely to be disruptive. In summary, the available evidence is currently insufficient to determine the role of this variant in disease. Therefore, it has been classified as a Variant of Uncertain Significance.

Ambry Genetics
Classification: Uncertain significance for Inborn genetic diseases. Last evaluated: 2024-11-21. Review status: criteria provided, single submitter. Criteria: Ambry Variant Classification Scheme 2023. Collection method: clinical testing. Allele origin: germline.
Comment: The p.R977W variant (also known as c.2929C>T), located in coding exon 24 of the ANKRD26 gene, results from a C to T substitution at nucleotide position 2929. The arginine at codon 977 is replaced by tryptophan, an amino acid with dissimilar properties. This amino acid position is conserved. In addition, this alteration is predicted to be tolerated by in silico analysis. Based on the available evidence, the clinical significance of this variant remains unclear.

NM_014915.3(ANKRD26):c.2929C>T (p.Arg977Trp)

Gene: ANKRD26 (ankyrin repeat domain 26; minus strand). Cytogenetic location: 10p12.1.
Variant type: single nucleotide variant.
Coding change: c.2929C>T on transcript NM_014915.3 (MANE Select); coding-DNA position 2929, C replaced by T.
Protein change: p.Arg977Trp; replaces arginine 977 with tryptophan.
Molecular consequence: missense variant.
Genome position (GRCh38, 1-based): chr10:27,035,521, G>A on the plus strand (C>T on the coding strand, the complement: ANKRD26 is on the minus strand). VCF-style: chr10-27035521-G-A. GRCh37 (hg19) VCF-style: chr10-27324450-G-A.
Other names: c.2926C>T, p.Arg976Trp (NM_001256053.2); short protein forms R976W, R977W.
Identifiers: ClinVar variation 2884767 (VCV002884767.4), dbSNP rs766543259, ClinGen allele CA5448126.